The following is an entry in ClinVar:

NM_001164508.2(NEB):c.11613del (p.Lys3871fs)

Gene: NEB (nebulin; minus strand). Cytogenetic location: 2q23.3.
Variant type: Deletion.
Coding change: c.11613del on transcript NM_001164508.2 (MANE Select); coding-DNA position 11613, one base deleted (A; older notation c.11613delA).
Protein change: p.Lys3871fs; shifts the reading frame from lysine 3871.
Molecular consequence: frameshift variant.
Genome position (GRCh38, 1-based): chr2:151,612,378, T deleted on the plus strand (A on the coding strand, the reverse complement: NEB is on the minus strand); the first of 3 consecutive T bases (chr2:151,612,378-151,612,380); deleting any one gives the same sequence. VCF-style (leftmost placement, unchanged base first): chr2-151612377-AT-A. GRCh37 (hg19) VCF-style: chr2-152468891-AT-A.
Other names: c.11613del, p.Lys3871fs (NM_001164507.2, NM_001271208.2); c.10884del, p.Lys3628fs (NM_004543.5); short protein forms K3628fs, K3871fs.
Identifiers: ClinVar variation 860942 (VCV000860942.7), dbSNP rs2098013713, ClinGen allele CA916080280.

ClinVar aggregate classification (germline): Pathogenic (1 of 4 stars; one submission).

Conditions:
Nemaline myopathy 2 (NEM2). Also called: Nemaline myopathy 2, autosomal recessive. Identifiers: MedGen C1850569, MONDO:0009725, OMIM 256030.

Submission:

Labcorp Genetics (formerly Invitae), Labcorp
Classification: Pathogenic for Nemaline myopathy 2. Last evaluated: 2019-07-08. Review status: criteria provided, single submitter. Criteria: Invitae Variant Classification Sherloc (09022015). Collection method: clinical testing. Allele origin: germline.
Comment: For these reasons, this variant has been classified as Pathogenic. Loss-of-function variants in NEB are known to be pathogenic (PMID: 25205138). This variant has not been reported in the literature in individuals with NEB-related conditions. This variant is not present in population databases (ExAC no frequency). This sequence change creates a premature translational stop signal (p.Lys3871Asnfs*7) in the NEB gene. It is expected to result in an absent or disrupted protein product.

Literature cited by the submitters: PubMed 25205138.